The following is an entry in ClinVar:

NM_015295.3(SMCHD1):c.202C>T (p.Pro68Ser)

Gene: SMCHD1 (structural maintenance of chromosomes flexible hinge domain containing 1; plus strand). Cytogenetic location: 18p11.32.
Variant type: single nucleotide variant.
Coding change: c.202C>T on transcript NM_015295.3 (MANE Select); coding-DNA position 202, C replaced by T.
Protein change: p.Pro68Ser; replaces proline 68 with serine.
Molecular consequence: missense variant.
Genome position (GRCh38, 1-based): chr18:2,666,172, C>T. VCF-style: chr18-2666172-C-T. GRCh37 (hg19) VCF-style: chr18-2666171-C-T.
Other names: short protein forms P68S.
Identifiers: ClinVar variation 860095 (VCV000860095.9), dbSNP rs1450657748, ClinGen allele CA401687250.
Genomic context (GRCh38, chr18:2,666,172, plus strand): 5'-TATTTCCTTTGTGTAATAAGTGATTTTATTTCTTATTTTGGATAGACACTTGGCATTTCA[C>T]CTGAAGAAAAATTTGTTATTACAACAACAAGTAGGAAAGAAATTACCTGTGATAATTTTG-3'
Protein context (NP_056110.2, residues 58-78): ACVCQTLGIS[Pro68Ser]EEKFVITTTS

ClinVar aggregate classification (germline): Uncertain significance. Review status: criteria provided, multiple submitters, no conflicts (2 of 4 stars). 2 submissions from 2 submitters: Uncertain significance (2). Last evaluated 2022-08-09.

Conditions:
Facioscapulohumeral muscular dystrophy 2 (FSHD2). Also called: MUSCULAR DYSTROPHY, FACIOSCAPULOHUMERAL, TYPE 1B; FACIOSCAPULOHUMERAL MUSCULAR DYSTROPHY 2, DIGENIC; FSHD2, DIGENIC. Identifiers: Orphanet 269, MedGen C1834671, MONDO:0008031, OMIM 158901.
Inborn genetic diseases. Identifiers: MedGen C0950123, MeSH D030342.

Allele frequency attached by ClinVar (database versions not stated): gnomAD exomes below 0.00001; gnomAD 0.00001.

Submissions (2):

Labcorp Genetics (formerly Invitae), Labcorp
Classification: Uncertain significance for Facioscapulohumeral muscular dystrophy 2. Last evaluated: 2022-08-09. Review status: criteria provided, single submitter. Criteria: Invitae Variant Classification Sherloc (09022015). Collection method: clinical testing. Allele origin: germline.
Comment: ClinVar contains an entry for this variant (Variation ID: 860095). In summary, the available evidence is currently insufficient to determine the role of this variant in disease. Therefore, it has been classified as a Variant of Uncertain Significance. Algorithms developed to predict the effect of missense changes on protein structure and function output the following: SIFT: "Tolerated"; PolyPhen-2: "Benign"; Align-GVGD: "Class C0". The serine amino acid residue is found in multiple mammalian species, which suggests that this missense change does not adversely affect protein function. This variant has not been reported in the literature in individuals affected with SMCHD1-related conditions. This variant is not present in population databases (gnomAD no frequency). This sequence change replaces proline, which is neutral and non-polar, with serine, which is neutral and polar, at codon 68 of the SMCHD1 protein (p.Pro68Ser).

Ambry Genetics
Classification: Uncertain significance for Inborn genetic diseases. Last evaluated: 2021-08-13. Review status: criteria provided, single submitter. Criteria: Ambry Variant Classification Scheme 2023. Collection method: clinical testing. Allele origin: germline.